The following is an entry in ClinVar:

ClinVar aggregate classification (germline): Uncertain significance. Review status: criteria provided, multiple submitters, no conflicts (2 of 4 stars). 3 submissions from 3 submitters: Uncertain significance (3). Last evaluated 2025-09-15.

Conditions:
Familial thoracic aortic aneurysm and aortic dissection (TAAD). Also called: Thoracic aortic aneurysms and dissections. Identifiers: Orphanet 91387, MedGen C4707243, MONDO:0019625.
Marfan syndrome (MFS). Also called: Marfan syndrome, classic; Marfan syndrome type 1; Marfan's syndrome; FBN1-Related Marfan Syndrome; MARFAN SYNDROME, TYPE I. Identifiers: Orphanet 284963, Orphanet 558, MedGen C0024796, MONDO:0007947, OMIM 154700.

gnomAD v4.1: 1 of 1,614,116 alleles (0.000062%); highest among the groups gnomAD compares: Non-Finnish European, 0.000085%; no homozygotes.

Submissions (3):

Color Diagnostics, LLC DBA Color Health
Classification: Uncertain significance for Familial thoracic aortic aneurysm and aortic dissection. Last evaluated: 2025-09-15. Review status: criteria provided, single submitter. Criteria: ACMG Guidelines, 2015. Collection method: clinical testing. Allele origin: germline.
Comment: This missense variant replaces aspartic acid with tyrosine at codon 1537 of the FBN1 protein. Computational prediction suggests that this variant may have deleterious impact on protein structure and function. To our knowledge, functional studies have not been reported for this variant. This variant has not been reported in individuals affected with FBN1-related disorders in the literature. This variant has not been identified in the general population by the Genome Aggregation Database (gnomAD). The available evidence is insufficient to determine the role of this variant in disease conclusively. Therefore, this variant is classified as a Variant of Uncertain Significance.

Labcorp Genetics (formerly Invitae), Labcorp
Classification: Uncertain significance for Marfan syndrome; Familial thoracic aortic aneurysm and aortic dissection. Last evaluated: 2024-11-13. Review status: criteria provided, single submitter. Criteria: Invitae Variant Classification Sherloc (09022015). Collection method: clinical testing. Allele origin: germline.
Comment: This sequence change replaces aspartic acid, which is acidic and polar, with tyrosine, which is neutral and polar, at codon 1537 of the FBN1 protein (p.Asp1537Tyr). This variant is not present in population databases (gnomAD no frequency). This variant has not been reported in the literature in individuals affected with FBN1-related conditions. ClinVar contains an entry for this variant (Variation ID: 924833). Invitae Evidence Modeling of protein sequence and biophysical properties (such as structural, functional, and spatial information, amino acid conservation, physicochemical variation, residue mobility, and thermodynamic stability) indicates that this missense variant is expected to disrupt FBN1 protein function with a positive predictive value of 95%. In summary, the available evidence is currently insufficient to determine the role of this variant in disease. Therefore, it has been classified as a Variant of Uncertain Significance.

All of Us Research Program, National Institutes of Health
Classification: Uncertain significance for Marfan syndrome. Last evaluated: 2023-06-26. Review status: criteria provided, single submitter. Criteria: ACMG Guidelines, 2015. Collection method: clinical testing. Allele origin: germline. Inheritance: Autosomal dominant inheritance. Observed: 1 variant allele, 1 heterozygote.
Comment: This missense variant replaces aspartic acid with tyrosine at codon 1537 of the FBN1 protein. Computational prediction tool suggests that this variant may have deleterious impact on protein structure and function (internally defined REVEL score threshold >=0.7, PMID: 27666373). Splice site prediction tools suggest that this variant may not impact RNA splicing. To our knowledge, functional studies have not been performed for this variant. This variant has not been reported in individuals affected with cardiovascular disorders in the literature. This variant has not been identified in the general population by the Genome Aggregation Database (gnomAD). The available evidence is insufficient to determine the role of this variant in disease conclusively. Therefore, this variant is classified as a Variant of Uncertain Significance.

This study involves interpretation of variants in research participants for the purpose of population health screening. Participant phenotype was not available at the time of variant classification. Additional details can be found in publication PMID: 35346344, PMCID: PMC8962531

NM_000138.5(FBN1):c.4609G>T (p.Asp1537Tyr)

Gene: FBN1 (fibrillin 1; minus strand). Cytogenetic location: 15q21.1.
Variant type: single nucleotide variant.
Coding change: c.4609G>T on transcript NM_000138.5 (MANE Select); coding-DNA position 4609, G replaced by T.
Protein change: p.Asp1537Tyr; replaces aspartic acid 1537 with tyrosine.
Molecular consequence: missense variant.
Genome position (GRCh38, 1-based): chr15:48,468,076, C>A on the plus strand (G>T on the coding strand, the complement: FBN1 is on the minus strand). VCF-style: chr15-48468076-C-A. GRCh37 (hg19) VCF-style: chr15-48760273-C-A.
Other names: short protein forms D1537Y.
Identifiers: ClinVar variation 924833 (VCV000924833.9), dbSNP rs757316301, ClinGen allele CA392353133.